The following is an entry in ClinVar:

NM_015338.6(ASXL1):c.1960G>A (p.Ala654Thr)

Gene: ASXL1 (ASXL transcriptional regulator 1; plus strand). Cytogenetic location: 20q11.21.
Variant type: single nucleotide variant.
Coding change: c.1960G>A on transcript NM_015338.6 (MANE Select); coding-DNA position 1960, G replaced by A.
Protein change: p.Ala654Thr; replaces alanine 654 with threonine.
Molecular consequence: missense variant.
Genome position (GRCh38, 1-based): chr20:32,434,672, G>A. VCF-style: chr20-32434672-G-A. GRCh37 (hg19) VCF-style: chr20-31022475-G-A.
Other names: c.1777G>A, p.Ala593Thr (NM_001363734.1); short protein forms A593T, A654T.
Identifiers: ClinVar variation 4764330 (VCV004764330.1).

ClinVar aggregate classification (germline): Uncertain significance (1 of 4 stars; one submission).

gnomAD v4.1: 4 of 1,602,364 alleles (0.00025%); highest among the groups gnomAD compares: East Asian, 0.0023%; no homozygotes.

Submission:

Labcorp Genetics (formerly Invitae), Labcorp
Classification: Uncertain significance. Last evaluated: 2025-05-04. Review status: criteria provided, single submitter. Criteria: Invitae Variant Classification Sherloc (09022015). Collection method: clinical testing. Allele origin: germline.
Comment: This sequence change replaces alanine, which is neutral and non-polar, with threonine, which is neutral and polar, at codon 654 of the ASXL1 protein (p.Ala654Thr). This variant is not present in population databases (gnomAD no frequency). This variant has not been reported in the literature in individuals affected with ASXL1-related conditions. An algorithm developed to predict the effect of missense changes on protein structure and function outputs the following: PolyPhen-2: "Benign". The threonine amino acid residue is found in multiple mammalian species, which suggests that this missense change does not adversely affect protein function. In summary, the available evidence is currently insufficient to determine the role of this variant in disease. Therefore, it has been classified as a Variant of Uncertain Significance.